The following is an entry in ClinVar:

ClinVar aggregate classification (germline): Benign. Review status: criteria provided, multiple submitters, no conflicts (2 of 4 stars). 2 submissions from 2 submitters: Benign (2). Last evaluated 2018-06-14.

Conditions:
Stargardt disease 3. Also called: MACULAR DYSTROPHY WITH FLECKS, TYPE 3; STARGARDT-LIKE MACULAR DYSTROPHY, AUTOSOMAL DOMINANT. Identifiers: Orphanet 827, MedGen C1838644, MONDO:0010819, OMIM 600110.

Allele frequency attached by ClinVar (database versions not stated): gnomAD exomes 0.14261; gnomAD 0.15383 and 0.16019; TOPMed 0.16183; 1000 Genomes Project 30x 0.23969; 1000 Genomes Project 0.24201.
gnomAD v4.1: 127,858 of 876,888 alleles (15%); highest among the groups gnomAD compares: South Asian, 35%; 11,613 homozygotes.

Submissions (2):

GeneDx
Classification: Benign. Last evaluated: 2018-06-14. Review status: criteria provided, single submitter. Criteria: GeneDx Variant Classification Process June 2021. Collection method: clinical testing. Allele origin: germline. Affected: yes.

Illumina Laboratory Services, Illumina
Classification: Benign for Stargardt disease 3. Last evaluated: 2018-01-13. Review status: criteria provided, single submitter. Criteria: ICSL Variant Classification Criteria 13 December 2019. Collection method: clinical testing. Allele origin: germline.
Comment: This variant was observed in the ICSL laboratory as part of a predisposition screen in an ostensibly healthy population. It had not been previously curated by ICSL or reported in the Human Gene Mutation Database (HGMD: prior to June 1st, 2018), and was therefore a candidate for classification through an automated scoring system. Utilizing variant allele frequency, disease prevalence and penetrance estimates, and inheritance mode, an automated score was calculated to assess if this variant is too frequent to cause the disease. Based on the score and internal cut-off values, a variant classified as benign is not then subjected to further curation. The score for this variant resulted in a classification of benign for this disease.

NM_022726.4(ELOVL4):c.*142G>C

Gene: ELOVL4 (ELOVL fatty acid elongase 4; minus strand). Cytogenetic location: 6q14.1.
Variant type: single nucleotide variant.
Coding change: c.*142G>C on transcript NM_022726.4 (MANE Select); 142 bases downstream of the stop codon, G replaced by C.
Molecular consequence: 3 prime UTR variant.
Genome position (GRCh38, 1-based): chr6:79,916,466, C>G on the plus strand (G>C on the coding strand, the complement: ELOVL4 is on the minus strand). VCF-style: chr6-79916466-C-G. GRCh37 (hg19) VCF-style: chr6-80626183-C-G.
Identifiers: ClinVar variation 358142 (VCV000358142.7), dbSNP rs1512118, ClinGen allele CA10627761.
Genomic context (GRCh38, chr6:79,916,466, plus strand): 5'-AAATGTTTAAAATAAAAACTTCATAAATAAAACATCTGGGTATGGTATTAACACTTTACT[C>G]AGTCTAAGAGTTACTAGGACATAGAGCACATTTGTCTTTTCTCCCCACCCCCAAGCTCTC-3'